The following is an entry in ClinVar:

ClinVar aggregate classification (germline): Benign. Review status: criteria provided, multiple submitters, no conflicts (2 of 4 stars). 3 submissions from 3 submitters: Benign (2). 1 of the submissions does not count toward it. Last evaluated 2019-12-31.

Conditions:
LRP1B-related disorder. Also called: LRP1B-related condition.

Allele frequency attached by ClinVar (database versions not stated): ESP Exome Variant Server 0.00015; gnomAD exomes 0.00184 and 0.00836; gnomAD 0.00399 and 0.00414; ExAC 0.00653; TOPMed 0.00667; 1000 Genomes Project 0.00819; 1000 Genomes Project 30x 0.00859.
gnomAD v4.1: 3,286 of 1,612,878 alleles (0.2%); highest among the groups gnomAD compares: Admixed American, 4.8%; 90 homozygotes.

Submissions (3):

Labcorp Genetics (formerly Invitae), Labcorp
Classification: Benign. Last evaluated: 2019-12-31. Review status: criteria provided, single submitter. Criteria: Invitae Variant Classification Sherloc (09022015). Collection method: clinical testing. Allele origin: germline.

Breakthrough Genomics
Classification: Benign. Review status: criteria provided, single submitter. Criteria: ACMG Guidelines, 2015. Collection method: not provided. Allele origin: germline. Inheritance: Unknown mechanism. Affected: yes.

PreventionGenetics, part of Exact Sciences
Classification: Benign for LRP1B-related condition. Last evaluated: 2019-02-18. Review status: no assertion criteria provided. Collection method: clinical testing. Allele origin: germline. Not counted in ClinVar's aggregate classification.
Comment: This variant is classified as benign based on ACMG/AMP sequence variant interpretation guidelines (Richards et al. 2015 PMID: 25741868, with internal and published modifications).

NM_018557.3(LRP1B):c.12555C>T (p.Cys4185=)

Gene: LRP1B (LDL receptor related protein 1B; minus strand). Cytogenetic location: 2q22.1.
Variant type: single nucleotide variant.
Coding change: c.12555C>T on transcript NM_018557.3 (MANE Select); coding-DNA position 12555, C replaced by T.
Protein change: p.Cys4185=; no amino-acid change (cysteine 4185 retained).
Molecular consequence: synonymous variant.
Genome position (GRCh38, 1-based): chr2:140,322,048, G>A on the plus strand (C>T on the coding strand, the complement: LRP1B is on the minus strand). VCF-style: chr2-140322048-G-A. GRCh37 (hg19) VCF-style: chr2-141079617-G-A.
Identifiers: ClinVar variation 770509 (VCV000770509.7), dbSNP rs147162004, ClinGen allele CA1892780.
Genomic context (GRCh38, chr2:140,322,048, plus strand): 5'-GCCATTAATCAAATATTTTCCTTCTGGACACACACAAGTGGCCCCAGAAGGATTTAGCAA[G>A]CAAAGAAATTCGCATGCTAAATCCAAGCATGGATTGGGTACTGGTGAAACAAAAGAAAAC-3'
Protein context (NP_061027.2, residues 4175-4195): PCLDLACEFL[Cys4185=]LLNPSGATCV